The following is an entry in ClinVar:

ClinVar aggregate classification (germline): Conflicting classifications of pathogenicity. Review status: criteria provided, conflicting classifications (1 of 4 stars). 5 submissions from 5 submitters: Likely pathogenic (2); Uncertain significance (3). Last evaluated 2026-03-19.

Conditions:
Migraine, familial hemiplegic, 3. Identifiers: Orphanet 569, MedGen C1864987, MONDO:0012320, OMIM 609634.
Severe myoclonic epilepsy in infancy (DRVT). Also called: DEVELOPMENTAL AND EPILEPTIC ENCEPHALOPATHY 6A; Severe Myoclonic Epilepsy in Infancy (SMEI); Epileptic encephalopathy, early infantile, 6 (Dravet syndrome); Dravet syndrome; SEVERE MYOCLONIC EPILEPSY OF INFANCY. Identifiers: Orphanet 33069, MedGen C0751122, MONDO:0100135, OMIM 607208.
Generalized epilepsy with febrile seizures plus, type 2 (GEFSP2). Also called: GEFS+, TYPE 2. Identifiers: Orphanet 36387, MedGen C1858673, MONDO:0011461, OMIM 604403.
Early-infantile DEE. Also called: Early infantile epileptic encephalopathy; Early infantile epileptic encephalopathy with suppression bursts; Ohtahara syndrome. Identifiers: Orphanet 1934, MedGen C0393706, MONDO:0800491.
Inborn genetic diseases. Identifiers: MedGen C0950123, MeSH D030342.

Allele frequency attached by ClinVar (database versions not stated): gnomAD 0.00001; gnomAD exomes below 0.00001; TOPMed 0.00002.
gnomAD v4.1: 5 of 1,612,370 alleles (0.00031%); highest among the groups gnomAD compares: Non-Finnish European, 0.00042%; no homozygotes.

Submissions (5):

Ambry Genetics
Classification: Uncertain significance for Inborn genetic diseases. Last evaluated: 2026-03-19. Review status: criteria provided, single submitter. Criteria: Ambry Variant Classification Scheme 2023. Collection method: clinical testing. Allele origin: germline.
Comment: The c.661C>G (p.L221V) alteration is located in exon 5 (coding exon 5) of the SCN1A gene. This alteration results from a C to G substitution at nucleotide position 661, causing the leucine (L) at amino acid position 221 to be replaced by a valine (V). This variant was not reported in population-based cohorts in the Genome Aggregation Database (gnomAD). Other variant(s) at the same codon, c.662T>C (p.L221P), have been identified in individual(s) with features consistent with SCN1A-related Seizure Disorders (Lindy, 2018; Haviland, 2023). This amino acid position is highly conserved in available vertebrate species. This missense variant is located in a region that has a low rate of benign missense variation (Lek, 2016; Firth, 2009). This alteration is predicted to be deleterious by in silico analysis. Based on insufficient or conflicting evidence, the clinical significance of this alteration remains unclear.

Women's Health and Genetics/Laboratory Corporation of America, LabCorp
Classification: Uncertain significance. Last evaluated: 2025-07-16. Review status: criteria provided, single submitter. Criteria: LabCorp Variant Classification Summary - May 2015. Collection method: clinical testing. Allele origin: germline.
Comment: Variant summary: SCN1A c.661C>G (p.Leu221Val) results in a conservative amino acid change in the encoded protein sequence. Algorithms developed to predict the effect of missense changes on protein structure and function are either unavailable or do not agree on the potential impact of this missense change. The variant was absent in 250502 control chromosomes. The available data on variant occurrences in the general population are insufficient to allow any conclusion about variant significance. To our knowledge, no occurrence of c.661C>G in individuals affected with SCN1A-Related Seizure Disorder and no experimental evidence demonstrating its impact on protein function have been reported. ClinVar contains an entry for this variant (Variation ID: 265297). Based on the evidence outlined above, the variant was classified as uncertain significance.

Labcorp Genetics (formerly Invitae), Labcorp
Classification: Uncertain significance for Early-infantile DEE. Last evaluated: 2025-06-18. Review status: criteria provided, single submitter. Criteria: Invitae Variant Classification Sherloc (09022015). Collection method: clinical testing. Allele origin: germline.
Comment: This sequence change replaces leucine, which is neutral and non-polar, with valine, which is neutral and non-polar, at codon 221 of the SCN1A protein (p.Leu221Val). This variant is not present in population databases (gnomAD no frequency). This variant has not been reported in the literature in individuals affected with SCN1A-related conditions. ClinVar contains an entry for this variant (Variation ID: 265297). Invitae Evidence Modeling of protein sequence and biophysical properties (such as structural, functional, and spatial information, amino acid conservation, physicochemical variation, residue mobility, and thermodynamic stability) indicates that this missense variant is expected to disrupt SCN1A protein function with a positive predictive value of 95%. In summary, the available evidence is currently insufficient to determine the role of this variant in disease. Therefore, it has been classified as a Variant of Uncertain Significance.

GeneDx
Classification: Likely pathogenic. Last evaluated: 2025-05-01. Review status: criteria provided, single submitter. Criteria: GeneDx Variant Classification Process June 2021. Collection method: clinical testing. Allele origin: germline. Affected: yes.
Comment: Not observed at significant frequency in large population cohorts (gnomAD); In silico analysis supports that this missense variant has a deleterious effect on protein structure/function; Has not been previously published as pathogenic or benign to our knowledge

Fulgent Genetics
Classification: Likely pathogenic for Generalized epilepsy with febrile seizures plus, type 2; Severe myoclonic epilepsy in infancy; Migraine, familial hemiplegic, 3. Last evaluated: 2018-10-31. Review status: criteria provided, single submitter. Criteria: ACMG Guidelines, 2015. Collection method: clinical testing. Allele origin: unknown.

Literature cited by the submitters: PubMed 29655203 (cited by Ambry Genetics); PubMed 36403551 (cited by Ambry Genetics).

NM_001165963.4(SCN1A):c.661C>G (p.Leu221Val)

Gene: SCN1A (sodium voltage-gated channel alpha subunit 1; minus strand). Cytogenetic location: 2q24.3.
Variant type: single nucleotide variant.
Coding change: c.661C>G on transcript NM_001165963.4 (MANE Select); coding-DNA position 661, C replaced by G.
Protein change: p.Leu221Val; replaces leucine 221 with valine.
Molecular consequence: missense variant. On other transcripts: 5 prime UTR variant (1), non-coding transcript variant (1).
Genome position (GRCh38, 1-based): chr2:166,052,885, G>C on the plus strand (C>G on the coding strand, the complement: SCN1A is on the minus strand). VCF-style: chr2-166052885-G-C. GRCh37 (hg19) VCF-style: chr2-166909395-G-C.
Other names: c.661C>G, p.Leu221Val (NM_001165964.3, NM_001202435.3, NM_001353948.2 and 10 more transcripts); c.-1765C>G (NM_001353961.2); short protein forms L221V.
Identifiers: ClinVar variation 265297 (VCV000265297.12), dbSNP rs886039456, ClinGen allele CA10588324.